The following is an entry in ClinVar:

ClinVar aggregate classification (germline): Conflicting classifications of pathogenicity. Review status: criteria provided, conflicting classifications (1 of 4 stars). 4 submissions from 4 submitters: Uncertain significance (1); Likely benign (3). Last evaluated 2026-01-05.

Conditions:
Inborn genetic diseases. Identifiers: MedGen C0950123, MeSH D030342.
Mucolipidosis type II. Also called: ML II ALPHA/BETA; Mucolipidosis 2; ML 2; Inclusion cell disease; Leroy Disease; N-acetylglucosamine 1phosphotransferase deficiency. Identifiers: Orphanet 576, MedGen C2673377, MONDO:0009650, OMIM 252500.
Pseudo-Hurler polydystrophy. Also called: ML III; ML III ALPHA/BETA; Mucolipidosis III Alpha/Beta; Type III Mucolipidosis; ML IIIA; MUCOLIPIDOSIS IIIA. Identifiers: Orphanet 423461, Orphanet 577, MedGen C0033788, MONDO:0018931, OMIM 252600.

Allele frequency attached by ClinVar (database versions not stated): ExAC 0.00005; TOPMed 0.00005; gnomAD 0.00009; 1000 Genomes Project 30x 0.00016; 1000 Genomes Project 0.00020.
gnomAD v4.1: 102 of 1,587,734 alleles (0.0064%); highest among the groups gnomAD compares: Admixed American, 0.0084%; no homozygotes.

Submissions (4):

Labcorp Genetics (formerly Invitae), Labcorp
Classification: Likely benign for Pseudo-Hurler polydystrophy; Mucolipidosis type II. Last evaluated: 2026-01-05. Review status: criteria provided, single submitter. Criteria: Invitae Variant Classification Sherloc (09022015). Collection method: clinical testing. Allele origin: germline.

Blueprint Genetics
Classification: Likely benign. Last evaluated: 2024-11-14. Review status: criteria provided, single submitter. Criteria: ACMG Guidelines, 2015. Collection method: clinical testing. Allele origin: germline.

Mayo Clinic Laboratories, Mayo Clinic
Classification: Uncertain significance. Last evaluated: 2023-05-18. Review status: criteria provided, single submitter. Criteria: ACMG Guidelines, 2015. Collection method: clinical testing. Allele origin: germline. Observed: 1 variant allele.
Comment: BP4, PM2

Ambry Genetics
Classification: Likely benign for Inborn genetic diseases. Last evaluated: 2023-04-05. Review status: criteria provided, single submitter. Criteria: Ambry Variant Classification Scheme 2023. Collection method: clinical testing. Allele origin: germline.

NM_024312.5(GNPTAB):c.9C>G (p.Phe3Leu)

Gene: GNPTAB (N-acetylglucosamine-1-phosphate transferase subunits alpha and beta; minus strand). Cytogenetic location: 12q23.2.
Variant type: single nucleotide variant.
Coding change: c.9C>G on transcript NM_024312.5 (MANE Select); coding-DNA position 9, C replaced by G.
Protein change: p.Phe3Leu; replaces phenylalanine 3 with leucine.
Molecular consequence: missense variant.
Genome position (GRCh38, 1-based): chr12:101,830,667, G>C on the plus strand (C>G on the coding strand, the complement: GNPTAB is on the minus strand). VCF-style: chr12-101830667-G-C. GRCh37 (hg19) VCF-style: chr12-102224445-G-C.
Other names: p.Phe3Leu; c.9C>G (NM_024312.4); short protein forms F3L.
Identifiers: ClinVar variation 2151371 (VCV002151371.8), dbSNP rs573282230, ClinGen allele CA6747031.